The following is an entry in ClinVar:

ClinVar aggregate classification (germline): Benign. Review status: criteria provided, multiple submitters, no conflicts (2 of 4 stars). 3 submissions from 3 submitters: Benign (3). Last evaluated 2024-07-15.

Allele frequency attached by ClinVar (database versions not stated): ExAC 0.18294; gnomAD exomes 0.19393; 1000 Genomes Project 0.20647; 1000 Genomes Project 30x 0.20924; ESP Exome Variant Server 0.21543; gnomAD 0.23179 and 0.23366; TOPMed 0.23605.
gnomAD v4.1: 329,211 of 1,081,434 alleles (30%); highest among the groups gnomAD compares: Middle Eastern, 36%; 40,950 homozygotes.

Submissions (3):

Unidad de Genómica Garrahan, Hospital de Pediatría Garrahan
Classification: Benign. Last evaluated: 2024-07-15. Review status: criteria provided, single submitter. Criteria: ACMG Guidelines, 2015. Collection method: clinical testing. Allele origin: germline. Affected: no. Observed: 28 variant alleles.
Comment: This variant is classified as Benign based on local population frequency. This variant was detected in 30% of patients studied in a panel designed for Epileptic and Developmental Encephalopathy and Progressive Myoclonus Epilepsy. Number of patients: 28. Only high quality variants are reported.

GeneDx
Classification: Benign. Last evaluated: 2018-06-14. Review status: criteria provided, single submitter. Criteria: GeneDx Variant Classification (06012015). Collection method: clinical testing. Allele origin: germline. Affected: yes.
Comment: This variant is considered likely benign or benign based on one or more of the following criteria: it is a conservative change, it occurs at a poorly conserved position in the protein, it is predicted to be benign by multiple in silico algorithms, and/or has population frequency not consistent with disease.

Breakthrough Genomics
Classification: Benign. Review status: criteria provided, single submitter. Criteria: ACMG Guidelines, 2015. Collection method: not provided. Allele origin: germline. Inheritance: Autosomal dominant inheritance. Affected: yes.

NM_020822.3(KCNT1):c.1337+29A>G

Gene: KCNT1 (potassium sodium-activated channel subfamily T member 1; plus strand). Cytogenetic location: 9q34.3.
Variant type: single nucleotide variant.
Coding change: c.1337+29A>G on transcript NM_020822.3 (MANE Select); 29 bases into the intron after coding-DNA position 1337, A replaced by G.
Molecular consequence: intron variant.
Genome position (GRCh38, 1-based): chr9:135,765,789, A>G. VCF-style: chr9-135765789-A-G. GRCh37 (hg19) VCF-style: chr9-138657635-A-G.
Other names: c.1202+29A>G (NM_001272003.2).
Identifiers: ClinVar variation 682121 (VCV000682121.4), dbSNP rs10117578, ClinGen allele CA5326857.